The following is an entry in ClinVar:

ClinVar aggregate classification (germline): Likely benign. Review status: criteria provided, multiple submitters, no conflicts (2 of 4 stars). 4 submissions from 4 submitters: Likely benign (3). 1 of the submissions does not count toward it. Last evaluated 2025-12-03.

Conditions:
COL9A1-related disorder. Also called: COL9A1-related condition; COL9A1-related disorders.

Allele frequency attached by ClinVar (database versions not stated): gnomAD 0.00001; TOPMed 0.00002; gnomAD exomes 0.00006 and 0.00012; ExAC 0.00008.

Submissions (4):

Labcorp Genetics (formerly Invitae), Labcorp
Classification: Likely benign. Last evaluated: 2025-12-03. Review status: criteria provided, single submitter. Criteria: Invitae Variant Classification Sherloc (09022015). Collection method: clinical testing. Allele origin: germline.

Blueprint Genetics
Classification: Likely benign. Last evaluated: 2022-11-21. Review status: criteria provided, single submitter. Criteria: ACMG Guidelines, 2015. Collection method: clinical testing. Allele origin: germline.

GeneDx
Classification: Likely benign. Last evaluated: 2017-11-10. Review status: criteria provided, single submitter. Criteria: GeneDx Variant Classification (06012015). Collection method: clinical testing. Allele origin: germline. Affected: yes.
Comment: This variant is considered likely benign or benign based on one or more of the following criteria: it is a conservative change, it occurs at a poorly conserved position in the protein, it is predicted to be benign by multiple in silico algorithms, and/or has population frequency not consistent with disease.

PreventionGenetics, part of Exact Sciences
Classification: Likely benign for COL9A1-related condition. Last evaluated: 2024-03-29. Review status: no assertion criteria provided. Collection method: clinical testing. Allele origin: germline. Not counted in ClinVar's aggregate classification.
Comment: This variant is classified as likely benign based on ACMG/AMP sequence variant interpretation guidelines (Richards et al. 2015 PMID: 25741868, with internal and published modifications).

NM_001851.6(COL9A1):c.558C>T (p.Gly186=)

Gene: COL9A1 (collagen type IX alpha 1 chain; minus strand). Cytogenetic location: 6q13.
Variant type: single nucleotide variant.
Coding change: c.558C>T on transcript NM_001851.6 (MANE Select); coding-DNA position 558, C replaced by T.
Protein change: p.Gly186=; no amino-acid change (glycine 186 retained).
Molecular consequence: synonymous variant.
Genome position (GRCh38, 1-based): chr6:70,294,305, G>A on the plus strand (C>T on the coding strand, the complement: COL9A1 is on the minus strand). VCF-style: chr6-70294305-G-A. GRCh37 (hg19) VCF-style: chr6-71004008-G-A.
Other names: c.558C>T, p.Gly186= (NM_001377291.1).
Identifiers: ClinVar variation 513327 (VCV000513327.13), dbSNP rs190204582, ClinGen allele CA3882780.